The following is an entry in ClinVar:

ClinVar aggregate classification (germline): Pathogenic/Likely pathogenic. Review status: criteria provided, multiple submitters, no conflicts (2 of 4 stars). 2 submissions from 2 submitters: Pathogenic (1); Likely pathogenic (1). Last evaluated 2022-03-20.

Conditions:
Retinitis pigmentosa 43 (RP43). Identifiers: Orphanet 791, MedGen C3151139, MONDO:0013437, OMIM 613810.

Submissions (2):

Labcorp Genetics (formerly Invitae), Labcorp
Classification: Likely pathogenic. Last evaluated: 2022-03-20. Review status: criteria provided, single submitter. Criteria: Invitae Variant Classification Sherloc (09022015). Collection method: clinical testing. Allele origin: germline.
Comment: ClinVar contains an entry for this variant (Variation ID: 1213874). In summary, the currently available evidence indicates that the variant is pathogenic, but additional data are needed to prove that conclusively. Therefore, this variant has been classified as Likely Pathogenic. Algorithms developed to predict the effect of sequence changes on RNA splicing suggest that this variant may disrupt the consensus splice site. This variant has not been reported in the literature in individuals affected with PDE6A-related conditions. This variant is not present in population databases (gnomAD no frequency). This sequence change affects a donor splice site in intron 17 of the PDE6A gene. It is expected to disrupt RNA splicing. Variants that disrupt the donor or acceptor splice site typically lead to a loss of protein function (PMID: 16199547), and loss-of-function variants in PDE6A are known to be pathogenic (PMID: 7493036, 22128245, 23847139).

DBGen Ocular Genomics
Classification: Pathogenic for Retinitis pigmentosa 43. Last evaluated: 2021-06-18. Review status: criteria provided, single submitter. Criteria: ACMG Guidelines, 2015. Collection method: clinical testing. Allele origin: germline. Affected: yes. Observed: 1 variant allele.

Literature cited by the submitters: PubMed 16199547 (cited by Labcorp Genetics (formerly Invitae), Labcorp); PubMed 7493036 (cited by Labcorp Genetics (formerly Invitae), Labcorp); PubMed 22128245 (cited by Labcorp Genetics (formerly Invitae), Labcorp); PubMed 23847139 (cited by Labcorp Genetics (formerly Invitae), Labcorp).

NM_000440.3(PDE6A):c.2135+1G>T

Gene: PDE6A (phosphodiesterase 6A; minus strand). Cytogenetic location: 5q32.
Variant type: single nucleotide variant.
Coding change: c.2135+1G>T on transcript NM_000440.3 (MANE Select); the canonical splice donor site of the intron after coding-DNA position 2135, G replaced by T.
Molecular consequence: splice donor variant.
Genome position (GRCh38, 1-based): chr5:149,883,428, C>A on the plus strand (G>T on the coding strand, the complement: PDE6A is on the minus strand). VCF-style: chr5-149883428-C-A. GRCh37 (hg19) VCF-style: chr5-149262991-C-A.
Other names: c.1892+1G>T (NM_001410788.1).
Identifiers: ClinVar variation 1213874 (VCV001213874.7), dbSNP rs561600163, ClinGen allele CA361692197.